The following is an entry in ClinVar:

NM_000089.4(COL1A2):c.2163C>T (p.Gly721=)

Gene: COL1A2 (collagen type I alpha 2 chain; plus strand). Cytogenetic location: 7q21.3.
Variant type: single nucleotide variant.
Coding change: c.2163C>T on transcript NM_000089.4 (MANE Select); coding-DNA position 2163, C replaced by T.
Protein change: p.Gly721=; no amino-acid change (glycine 721 retained).
Molecular consequence: synonymous variant.
Genome position (GRCh38, 1-based): chr7:94,420,420, C>T. VCF-style: chr7-94420420-C-T. GRCh37 (hg19) VCF-style: chr7-94049732-C-T.
Other names: p.Gly721=.
Identifiers: ClinVar variation 456816 (VCV000456816.27), dbSNP rs150670521, ClinGen allele CA4347337.
Genomic context (GRCh38, chr7:94,420,420, plus strand): 5'-AACACATTTTTAAATCCCTTCTCCCACCTAGGGTGAACGTGGTGAGGTCGGTCCTGCTGG[C>T]CCCAATGGATTTGCTGGTCCTGCTGTGAGTATCACATAATGAAGATTAATCTGAAAACAT-3'
Protein context (NP_000080.2, residues 711-731): PGERGEVGPA[Gly721=]PNGFAGPAGA

ClinVar aggregate classification (germline): Conflicting classifications of pathogenicity. Review status: criteria provided, conflicting classifications (1 of 4 stars). 12 submissions from 11 submitters: Uncertain significance (1); Benign (2); Likely benign (7). 2 of the submissions do not count toward it. Last evaluated 2026-02-01.

Conditions:
Ehlers-Danlos syndrome, arthrochalasia type, 2. Also called: EHLERS-DANLOS SYNDROME, TYPE VIIB, AUTOSOMAL DOMINANT. Identifiers: MedGen CN293783, MONDO:0040501, OMIM 617821.
Osteogenesis imperfecta type I (OI1). Also called: Lobstein's Disease; Classic Non-deforming Osteogenesis Imperfecta with Blue Sclerae; Osteogenesis imperfecta type 1; OI, TYPE I; OSTEOGENESIS IMPERFECTA TARDA; OSTEOGENESIS IMPERFECTA WITH BLUE SCLERAE. Identifiers: Orphanet 216796, Orphanet 666, MedGen C0023931, MONDO:0008146, OMIM 166200. Disease mechanism: loss of function.
Ehlers-Danlos syndrome, classic type, 1 (EDSCL1). Also called: Ehlers-Danlos syndrome, type 1; Ehlers-Danlos Syndrome, Classic Type, COL5A1-Related; EDS I; EHLERS-DANLOS SYNDROME, GRAVIS TYPE; EHLERS-DANLOS SYNDROME, SEVERE CLASSIC TYPE. Identifiers: MedGen C0268335, MONDO:0019567, OMIM 130000.
Connective tissue disorder. Also called: Connective tissue disease. Identifiers: MedGen C0009782, MONDO:0003900.
Cardiovascular phenotype. Identifiers: MedGen CN230736.
Ehlers-Danlos syndrome (EDS). Identifiers: Orphanet 98249, MedGen C0013720, MONDO:0020066.
Osteogenesis imperfecta (OI). Identifiers: Orphanet 666, MedGen C0029434, MeSH D010013, MONDO:0019019.

Allele frequency attached by ClinVar (database versions not stated): gnomAD exomes 0.00018 and 0.00053; ExAC 0.00019; TOPMed 0.00020; gnomAD 0.00024 and 0.00025; ESP Exome Variant Server 0.00038.
gnomAD v4.1: 807 of 1,614,014 alleles (0.05%); highest among the groups gnomAD compares: Non-Finnish European, 0.065%; no homozygotes.

Submissions (12):

Labcorp Genetics (formerly Invitae), Labcorp
Classification: Likely benign for Osteogenesis imperfecta type I; Ehlers-Danlos syndrome, classic type, 1. Last evaluated: 2026-02-01. Review status: criteria provided, single submitter. Criteria: Invitae Variant Classification Sherloc (09022015). Collection method: clinical testing. Allele origin: germline.

Mayo Clinic Laboratories, Mayo Clinic
Classification: Likely benign. Last evaluated: 2025-03-31. Review status: criteria provided, single submitter. Criteria: ACMG Guidelines, 2015. Collection method: clinical testing. Allele origin: germline. Observed: 4 variant alleles.
Comment: BS1, BP4, BP7

Women's Health and Genetics/Laboratory Corporation of America, LabCorp
Classification: Benign. Last evaluated: 2024-12-02. Review status: criteria provided, single submitter. Criteria: LabCorp Variant Classification Summary - May 2015. Collection method: clinical testing. Allele origin: germline.

Blueprint Genetics
Classification: Likely benign. Last evaluated: 2024-10-17. Review status: criteria provided, single submitter. Criteria: ACMG Guidelines, 2015. Collection method: clinical testing. Allele origin: germline.

GeneDx
Classification: Likely benign. Last evaluated: 2020-10-13. Review status: criteria provided, single submitter. Criteria: GeneDx Variant Classification Process June 2021. Collection method: clinical testing. Allele origin: germline. Affected: yes.

Ambry Genetics
Classification: Likely benign for Cardiovascular phenotype. Last evaluated: 2019-11-21. Review status: criteria provided, single submitter. Criteria: Ambry Variant Classification Scheme 2023. Collection method: clinical testing. Allele origin: germline.

Genome Diagnostics Laboratory, The Hospital for Sick Children
Classification: Uncertain significance for Ehlers-Danlos syndrome. Last evaluated: 2019-11-01. Review status: criteria provided, single submitter. Criteria: ACMG Guidelines, 2015. Collection method: clinical testing. Allele origin: germline.

Center for Human Genetics, Inc
Classification: Likely benign for Connective tissue disorder. Last evaluated: 2018-06-01. Review status: criteria provided, single submitter. Criteria: ACMG Guidelines, 2015. Collection method: clinical testing. Allele origin: germline. Affected: yes.

Illumina Laboratory Services, Illumina
Classification: Likely benign for Osteogenesis imperfecta. Last evaluated: 2018-01-12. Review status: criteria provided, single submitter. Criteria: ICSL Variant Classification Criteria 13 December 2019. Collection method: clinical testing. Allele origin: germline.
Comment: This variant was observed in the ICSL laboratory as part of a predisposition screen in an ostensibly healthy population. It had not been previously curated by ICSL or reported in the Human Gene Mutation Database (HGMD: prior to June 1st, 2018), and was therefore a candidate for classification through an automated scoring system. Utilizing variant allele frequency, disease prevalence and penetrance estimates, and inheritance mode, an automated score was calculated to assess if this variant is too frequent to cause the disease. Based on the score and internal cut-off values, a variant classified as likely benign is not then subjected to further curation. The score for this variant resulted in a classification of likely benign for this disease.

Illumina Laboratory Services, Illumina
Classification: Benign for Ehlers-Danlos syndrome, arthrochalasia type, 2. Last evaluated: 2018-01-12. Review status: criteria provided, single submitter. Criteria: ICSL Variant Classification Criteria 13 December 2019. Collection method: clinical testing. Allele origin: germline.
Comment: This variant was observed in the ICSL laboratory as part of a predisposition screen in an ostensibly healthy population. It had not been previously curated by ICSL or reported in the Human Gene Mutation Database (HGMD: prior to June 1st, 2018), and was therefore a candidate for classification through an automated scoring system. Utilizing variant allele frequency, disease prevalence and penetrance estimates, and inheritance mode, an automated score was calculated to assess if this variant is too frequent to cause the disease. Based on the score and internal cut-off values, a variant classified as benign is not then subjected to further curation. The score for this variant resulted in a classification of benign for this disease.

Clinical Genetics DNA and cytogenetics Diagnostics Lab, Erasmus MC, Erasmus Medical Center
Classification: Likely benign. Review status: no assertion criteria provided. Collection method: clinical testing. Allele origin: germline. Affected: yes. Study: VKGL Data-share Consensus. Not counted in ClinVar's aggregate classification.

Genome Diagnostics Laboratory, University Medical Center Utrecht
Classification: Likely benign. Review status: no assertion criteria provided. Collection method: clinical testing. Allele origin: germline. Affected: yes. Study: VKGL Data-share Consensus. Not counted in ClinVar's aggregate classification.